The following is an entry in ClinVar:

NM_000488.4(SERPINC1):c.272C>T (p.Ala91Val)

Gene: SERPINC1 (serpin family C member 1; minus strand). Cytogenetic location: 1q25.1.
Variant type: single nucleotide variant.
Coding change: c.272C>T on transcript NM_000488.4 (MANE Select); coding-DNA position 272, C replaced by T.
Protein change: p.Ala91Val; replaces alanine 91 with valine.
Molecular consequence: missense variant.
Genome position (GRCh38, 1-based): chr1:173,914,689, G>A on the plus strand (C>T on the coding strand, the complement: SERPINC1 is on the minus strand). VCF-style: chr1-173914689-G-A. GRCh37 (hg19) VCF-style: chr1-173883827-G-A.
Other names: c.128C>T, p.Ala43Val (NM_001365052.2); c.272C>T, p.Ala91Val (NM_001386302.1, NM_001386304.1, NM_001386305.1 and 1 more transcripts); c.353C>T, p.Ala118Val (NM_001386303.1); short protein forms A43V, A91V, A118V.
Identifiers: ClinVar variation 2727335 (VCV002727335.3), dbSNP rs2526594923, ClinGen allele CA343777700.

ClinVar aggregate classification (germline): Likely pathogenic (1 of 4 stars; one submission).

Conditions:
Hereditary antithrombin deficiency (AT3D). Also called: Reduced antithrombin III activity; Antithrombin deficiency; Antithrombin III deficiency; Thrombophilia due to antithrombin III deficiency. Identifiers: Orphanet 82, MedGen C0272375, MONDO:0013144, OMIM 613118, HP:0001976.

Submission:

Labcorp Genetics (formerly Invitae), Labcorp
Classification: Likely pathogenic for Hereditary antithrombin deficiency. Last evaluated: 2023-09-08. Review status: criteria provided, single submitter. Criteria: Invitae Variant Classification Sherloc (09022015). Collection method: clinical testing. Allele origin: germline.
Comment: In summary, the currently available evidence indicates that the variant is pathogenic, but additional data are needed to prove that conclusively. Therefore, this variant has been classified as Likely Pathogenic. Experimental studies have shown that this missense change affects SERPINC1 function (PMID: 17492649). Advanced modeling of protein sequence and biophysical properties (such as structural, functional, and spatial information, amino acid conservation, physicochemical variation, residue mobility, and thermodynamic stability) performed at Invitae indicates that this missense variant is expected to disrupt SERPINC1 protein function. This variant is also known as C2640T, p.Ala59Val. This missense change has been observed in individuals with antithrombin III deficiency (PMID: 17492649, 28300866; Invitae). This variant is not present in population databases (gnomAD no frequency). This sequence change replaces alanine, which is neutral and non-polar, with valine, which is neutral and non-polar, at codon 91 of the SERPINC1 protein (p.Ala91Val).

Literature cited by the submitters: PubMed 17492649; PubMed 28300866.